The following is an entry in ClinVar:

ClinVar aggregate classification (germline): Uncertain significance (1 of 4 stars; one submission).

Allele frequency attached by ClinVar (database versions not stated): gnomAD exomes 0.00002; TOPMed 0.00002; ExAC 0.00003; gnomAD 0.00003.
gnomAD v4.1: 19 of 1,614,094 alleles (0.0012%); highest among the groups gnomAD compares: Non-Finnish European, 0.001%; no homozygotes.

Submission:

Labcorp Genetics (formerly Invitae), Labcorp
Classification: Uncertain significance. Last evaluated: 2022-02-23. Review status: criteria provided, single submitter. Criteria: Invitae Variant Classification Sherloc (09022015). Collection method: clinical testing. Allele origin: germline.
Comment: In summary, the available evidence is currently insufficient to determine the role of this variant in disease. Therefore, it has been classified as a Variant of Uncertain Significance. Algorithms developed to predict the effect of missense changes on protein structure and function are either unavailable or do not agree on the potential impact of this missense change (SIFT: "Deleterious"; PolyPhen-2: "Benign"; Align-GVGD: "Class C0"). This variant has not been reported in the literature in individuals affected with PCARE-related conditions. This variant is present in population databases (rs771338164, gnomAD 0.01%). This sequence change replaces glutamic acid, which is acidic and polar, with alanine, which is neutral and non-polar, at codon 59 of the PCARE protein (p.Glu59Ala).

NM_001029883.3(PCARE):c.176A>C (p.Glu59Ala)

Gene: PCARE (photoreceptor cilium actin regulator; minus strand). Cytogenetic location: 2p23.2.
Variant type: single nucleotide variant.
Coding change: c.176A>C on transcript NM_001029883.3 (MANE Select); coding-DNA position 176, A replaced by C.
Protein change: p.Glu59Ala; replaces glutamic acid 59 with alanine.
Molecular consequence: missense variant.
Genome position (GRCh38, 1-based): chr2:29,074,086, T>G on the plus strand (A>C on the coding strand, the complement: PCARE is on the minus strand). VCF-style: chr2-29074086-T-G. GRCh37 (hg19) VCF-style: chr2-29296952-T-G.
Other names: short protein forms E59A.
Identifiers: ClinVar variation 1479474 (VCV001479474.8), dbSNP rs771338164, ClinGen allele CA1592697.